The following is an entry in ClinVar:

ClinVar aggregate classification (germline): Uncertain significance. Review status: criteria provided, multiple submitters, no conflicts (2 of 4 stars). 2 submissions from 2 submitters: Uncertain significance (2). Last evaluated 2025-09-02.

Allele frequency attached by ClinVar (database versions not stated): ExAC 0.00001; gnomAD 0.00001; gnomAD exomes 0.00001.

Submissions (2):

Labcorp Genetics (formerly Invitae), Labcorp
Classification: Uncertain significance. Last evaluated: 2025-09-02. Review status: criteria provided, single submitter. Criteria: Invitae Variant Classification Sherloc (09022015). Collection method: clinical testing. Allele origin: germline.
Comment: This sequence change replaces valine, which is neutral and non-polar, with methionine, which is neutral and non-polar, at codon 267 of the ASRGL1 protein (p.Val267Met). This variant is present in population databases (rs749181395, gnomAD 0.004%). This variant has not been reported in the literature in individuals affected with ASRGL1-related conditions. ClinVar contains an entry for this variant (Variation ID: 1477029). An algorithm developed to predict the effect of missense changes on protein structure and function outputs the following: PolyPhen-2: "Benign". The methionine amino acid residue is found in multiple mammalian species, which suggests that this missense change does not adversely affect protein function. In summary, the available evidence is currently insufficient to determine the role of this variant in disease. Therefore, it has been classified as a Variant of Uncertain Significance.

Ambry Genetics
Classification: Uncertain significance. Last evaluated: 2023-09-25. Review status: criteria provided, single submitter. Criteria: Ambry Variant Classification Scheme 2023. Collection method: clinical testing. Allele origin: germline.

NM_001083926.2(ASRGL1):c.799G>A (p.Val267Met)

Gene: ASRGL1 (asparaginase and isoaspartyl peptidase 1; plus strand). Cytogenetic location: 11q12.3.
Variant type: single nucleotide variant.
Coding change: c.799G>A on transcript NM_001083926.2 (MANE Select); coding-DNA position 799, G replaced by A.
Protein change: p.Val267Met; replaces valine 267 with methionine.
Molecular consequence: missense variant.
Genome position (GRCh38, 1-based): chr11:62,392,156, G>A. VCF-style: chr11-62392156-G-A. GRCh37 (hg19) VCF-style: chr11-62159628-G-A.
Other names: c.799G>A, p.Val267Met (NM_025080.4); c.799G>A (NM_001083926.1); short protein forms V267M.
Identifiers: ClinVar variation 1477029 (VCV001477029.9), dbSNP rs749181395, ClinGen allele CA6043331.